The following is an entry in ClinVar:

ClinVar aggregate classification (germline): Uncertain significance (1 of 4 stars; one submission).

Conditions:
Vici syndrome (VICIS). Identifiers: Orphanet 1493, MedGen C1855772, MONDO:0009452, OMIM 242840.

Submission:

Labcorp Genetics (formerly Invitae), Labcorp
Classification: Uncertain significance for Vici syndrome. Last evaluated: 2023-08-04. Review status: criteria provided, single submitter. Criteria: Invitae Variant Classification Sherloc (09022015). Collection method: clinical testing. Allele origin: germline.
Comment: This variant has not been reported in the literature in individuals affected with EPG5-related conditions. In summary, the available evidence is currently insufficient to determine the role of this variant in disease. Therefore, it has been classified as a Variant of Uncertain Significance. Advanced modeling of protein sequence and biophysical properties (such as structural, functional, and spatial information, amino acid conservation, physicochemical variation, residue mobility, and thermodynamic stability) performed at Invitae indicates that this missense variant is expected to disrupt EPG5 protein function. ClinVar contains an entry for this variant (Variation ID: 1388748). This variant is not present in population databases (gnomAD no frequency). This sequence change replaces leucine, which is neutral and non-polar, with glutamine, which is neutral and polar, at codon 2227 of the EPG5 protein (p.Leu2227Gln).

NM_020964.3(EPG5):c.6680T>A (p.Leu2227Gln)

Gene: EPG5 (ectopic P-granules 5 autophagy tethering factor; minus strand). Cytogenetic location: 18q12.3.
Variant type: single nucleotide variant.
Coding change: c.6680T>A on transcript NM_020964.3 (MANE Select); coding-DNA position 6680, T replaced by A.
Protein change: p.Leu2227Gln; replaces leucine 2227 with glutamine.
Molecular consequence: missense variant.
Genome position (GRCh38, 1-based): chr18:45,865,701, A>T on the plus strand (T>A on the coding strand, the complement: EPG5 is on the minus strand). VCF-style: chr18-45865701-A-T. GRCh37 (hg19) VCF-style: chr18-43445666-A-T.
Other names: short protein forms L2227Q.
Identifiers: ClinVar variation 1388748 (VCV001388748.7), dbSNP rs2145257250, ClinGen allele CA402338384.